The following is an entry in ClinVar:

ClinVar aggregate classification (germline): Likely benign (1 of 4 stars; one submission).

Submission:

CeGaT Center for Human Genetics Tuebingen
Classification: Likely benign. Last evaluated: 2023-03-01. Review status: criteria provided, single submitter. Criteria: CeGaT Center For Human Genetics Tuebingen Variant Classification Criteria Version 2. Collection method: clinical testing. Allele origin: germline. Affected: yes. Observed: 1 variant allele.
Comment: JAG2: PM2:Supporting, BP4, BP7

NM_002226.5(JAG2):c.3591C>T (p.Leu1197=)

Gene: JAG2 (jagged canonical Notch ligand 2; minus strand). Cytogenetic location: 14q32.33.
Variant type: single nucleotide variant.
Coding change: c.3591C>T on transcript NM_002226.5 (MANE Select); coding-DNA position 3591, C replaced by T.
Protein change: p.Leu1197=; no amino-acid change (leucine 1197 retained).
Molecular consequence: synonymous variant.
Genome position (GRCh38, 1-based): chr14:105,142,821, G>A on the plus strand (C>T on the coding strand, the complement: JAG2 is on the minus strand). VCF-style: chr14-105142821-G-A. GRCh37 (hg19) VCF-style: chr14-105609158-G-A.
Other names: c.3477C>T, p.Leu1159= (NM_145159.3).
Identifiers: ClinVar variation 2644899 (VCV002644899.24), dbSNP rs1324913238, ClinGen allele CA488730765.
Genomic context (GRCh38, chr14:105,142,821, plus strand): 5'-TGAGGCCCAGTGGGCCGGCCTCCCCGGCGAGCGGCCAGGATCTTTGGTGAATTTGTGTGA[G>A]AGGAACTTCTCCGCCTCCAGGGAGTCCTCCTCACCGCGGCCCAGATCCTCGTCCTCCTCA-3'
Protein context (NP_002217.3, residues 1187-1207): EEDSLEAEKF[Leu1197=]SHKFTKDPGR